The following is an entry in ClinVar:

ClinVar aggregate classification (germline): Likely benign. Review status: criteria provided, multiple submitters, no conflicts (2 of 4 stars). 5 submissions from 5 submitters: Likely benign (5). Last evaluated 2026-01-25.

Conditions:
Dilated cardiomyopathy 1G (CMD1G). Identifiers: Orphanet 154, MedGen C1858763, MONDO:0011400, OMIM 604145.
Autosomal recessive limb-girdle muscular dystrophy type 2J (LGMDR10). Also called: Limb-girdle muscular dystrophy, type 2J; MUSCULAR DYSTROPHY, LIMB-GIRDLE, AUTOSOMAL RECESSIVE 10. Identifiers: Orphanet 140922, MedGen C1837342, MONDO:0012127, OMIM 608807.
Cardiomyopathy (CMYO). Also called: Cardiomyopathies. Identifiers: Orphanet 167848, MedGen C0878544, MONDO:0004994, HP:0001638. Inheritance: Various modes of inheritance.

Allele frequency attached by ClinVar (database versions not stated): TOPMed 0.00003; gnomAD exomes 0.00004 and 0.00002; ExAC 0.00002; gnomAD 0.00003.
gnomAD v4.1: 66 of 1,613,846 alleles (0.0041%); highest among the groups gnomAD compares: Non-Finnish European, 0.0055%; no homozygotes.

Submissions (5):

Labcorp Genetics (formerly Invitae), Labcorp
Classification: Likely benign for Dilated cardiomyopathy 1G; Autosomal recessive limb-girdle muscular dystrophy type 2J. Last evaluated: 2026-01-25. Review status: criteria provided, single submitter. Criteria: Invitae Variant Classification Sherloc (09022015). Collection method: clinical testing. Allele origin: germline.

Women's Health and Genetics/Laboratory Corporation of America, LabCorp
Classification: Likely benign. Last evaluated: 2024-10-15. Review status: criteria provided, single submitter. Criteria: LabCorp Variant Classification Summary - May 2015. Collection method: clinical testing. Allele origin: germline.

Blueprint Genetics
Classification: Likely benign. Last evaluated: 2024-05-28. Review status: criteria provided, single submitter. Criteria: ACMG Guidelines, 2015. Collection method: clinical testing. Allele origin: germline.

CHEO Genetics Diagnostic Laboratory, Children's Hospital of Eastern Ontario
Classification: Likely benign for Cardiomyopathy. Last evaluated: 2018-04-16. Review status: criteria provided, single submitter. Criteria: ACMG Guidelines, 2015. Collection method: clinical testing. Allele origin: germline.

Laboratory for Molecular Medicine, Mass General Brigham Personalized Medicine
Classification: Likely benign. Last evaluated: 2016-08-04. Review status: criteria provided, single submitter. Criteria: LMM Criteria. Collection method: clinical testing. Allele origin: germline. Observed: 1 variant allele.
Comment: p.His8799His in exon 103 of TTN: This variant is not expected to have clinical s ignificance because it does not alter an amino acid residue and is not located w ithin the splice consensus sequence. It has been identified in 3/66736 European chromosomes by the Exome Aggregation Consortium (ExAC; dbSNP rs764724866).

NM_001267550.2(TTN):c.30129T>C (p.His10043=)

Gene: TTN (titin; minus strand). Cytogenetic location: 2q31.2.
Variant type: single nucleotide variant.
Coding change: c.30129T>C on transcript NM_001267550.2 (MANE Select); coding-DNA position 30129, T replaced by C.
Protein change: p.His10043=; no amino-acid change (histidine 10043 retained).
Molecular consequence: synonymous variant. On other transcripts: intron variant (3).
Genome position (GRCh38, 1-based): chr2:178,704,241, A>G on the plus strand (T>C on the coding strand, the complement: TTN is on the minus strand). VCF-style: chr2-178704241-A-G. GRCh37 (hg19) VCF-style: chr2-179568968-A-G.
Other names: c.26397T>C, p.His8799= (NM_133378.4); c.29178T>C, p.His9726= (NM_001256850.1); c.13282+33841T>C (NM_003319.4); c.13858+33841T>C (NM_133437.4); c.13657+33841T>C (NM_133432.3).
Identifiers: ClinVar variation 413105 (VCV000413105.19), dbSNP rs764724866, ClinGen allele CA1999238.